The following is an entry in ClinVar:

NM_019616.4(F7):c.154dup (p.Glu52fs)

Gene: F7 (coagulation factor VII; plus strand). Cytogenetic location: 13q34.
Variant type: Duplication.
Coding change: c.154dup on transcript NM_019616.4 (MANE Select); coding-DNA position 154, one base duplicated (G; older notation c.154dupG).
Protein change: p.Glu52fs; shifts the reading frame from glutamic acid 52.
Molecular consequence: frameshift variant. On other transcripts: non-coding transcript variant (1), intron variant (1).
Genome position (GRCh38, 1-based): chr13:113,110,779, G duplicated; the last of 2 consecutive G bases (chr13:113,110,778-113,110,779); duplicating either gives the same sequence. VCF-style (leftmost placement, unchanged base first): chr13-113110777-T-TG. GRCh37 (hg19) VCF-style: chr13-113765091-T-TG.
Other names: p.Glu74Glyfs*33; c.220dupG (NM_000131.4); c.220dup, p.Glu74Glyfs (NM_000131.5); c.65-3068dup (NM_001267554.2); short protein forms E52fs, E74fs.
Identifiers: ClinVar variation 2572145 (VCV002572145.3), dbSNP rs1168560365, ClinGen allele CA695279606.

ClinVar aggregate classification (germline): Pathogenic/Likely pathogenic. Review status: criteria provided, multiple submitters, no conflicts (2 of 4 stars). 3 submissions from 3 submitters: Pathogenic (1); Likely pathogenic (2). Last evaluated 2022-05-11.

Conditions:
Congenital factor VII deficiency. Identifiers: Orphanet 327, MedGen C0272320, MONDO:0009211, OMIM 227500.

Submissions (3):

Department of Pathology and Laboratory Medicine, Sinai Health System
Classification: Likely pathogenic for Congenital factor VII deficiency. Last evaluated: 2022-05-11. Review status: criteria provided, single submitter. Criteria: ACMG Guidelines, 2015. Collection method: research. Allele origin: germline.

Mayo Clinic Laboratories, Mayo Clinic
Classification: Pathogenic. Last evaluated: 2022-03-03. Review status: criteria provided, single submitter. Criteria: ACMG Guidelines, 2015. Collection method: clinical testing. Allele origin: germline. Observed: 1 variant allele.
Comment: PM1, PM2, PVS1

ISTH-SSC Genomics in Thrombosis and Hemostasis, KU Leuven, Center for Molecular and Vascular Biology
Classification: Likely pathogenic for Congenital factor VII deficiency. Review status: criteria provided, single submitter. Criteria: ACMG Guidelines, 2015. Collection method: clinical testing. Allele origin: germline. Affected: yes. Observed: 1 heterozygote.
Comment: Submitted to the GoldVariant database by Kathleen Freson, Center for Molecular and Vascular Biology